The following is an entry in ClinVar:

NM_000098.3(CPT2):c.1259C>G (p.Thr420Ser)

Gene: CPT2 (carnitine palmitoyltransferase 2; plus strand). Cytogenetic location: 1p32.3.
Variant type: single nucleotide variant.
Coding change: c.1259C>G on transcript NM_000098.3 (MANE Select); coding-DNA position 1259, C replaced by G.
Protein change: p.Thr420Ser; replaces threonine 420 with serine.
Molecular consequence: missense variant.
Genome position (GRCh38, 1-based): chr1:53,210,933, C>G. VCF-style: chr1-53210933-C-G. GRCh37 (hg19) VCF-style: chr1-53676605-C-G.
Other names: c.1259C>G (NM_000098.2); c.1259C>G, p.Thr420Ser (NM_001330589.2); short protein forms T420S.
Identifiers: ClinVar variation 2154588 (VCV002154588.3), dbSNP rs373420308, ClinGen allele CA859162.
Genomic context (GRCh38, chr1:53,210,933, plus strand): 5'-AGAGCCAGCCAGCTACCACTGACTCTACTGTCACGGTGCAGAAACTCAACTTCGAGCTGA[C>G]TGATGCCTTAAAGACTGGCATCACAGCTGCTAAGGAAAAGTTTGATGCCACCATGAAAAC-3'
Protein context (NP_000089.1, residues 410-430): VTVQKLNFEL[Thr420Ser]DALKTGITAA

ClinVar aggregate classification (germline): Conflicting classifications of pathogenicity. Review status: criteria provided, conflicting classifications (1 of 4 stars). 2 submissions from 2 submitters: Uncertain significance (1); Likely benign (1). Last evaluated 2023-02-28.

Conditions:
Carnitine palmitoyltransferase II deficiency. Also called: Carnitine Palmitoyltransferase 2 Deficiency. Identifiers: Orphanet 157, MedGen C0342790, MONDO:0015515.
Inborn genetic diseases. Identifiers: MedGen C0950123, MeSH D030342.

Allele frequency attached by ClinVar (database versions not stated): TOPMed 0.00001.

Submissions (2):

Ambry Genetics
Classification: Likely benign for Inborn genetic diseases. Last evaluated: 2023-02-28. Review status: criteria provided, single submitter. Criteria: Ambry Variant Classification Scheme 2023. Collection method: clinical testing. Allele origin: germline.

Labcorp Genetics (formerly Invitae), Labcorp
Classification: Uncertain significance for Carnitine palmitoyltransferase II deficiency. Last evaluated: 2022-03-04. Review status: criteria provided, single submitter. Criteria: Invitae Variant Classification Sherloc (09022015). Collection method: clinical testing. Allele origin: germline.
Comment: This sequence change replaces threonine, which is neutral and polar, with serine, which is neutral and polar, at codon 420 of the CPT2 protein (p.Thr420Ser). This variant is present in population databases (rs373420308, gnomAD 0.009%). This variant has not been reported in the literature in individuals affected with CPT2-related conditions. Advanced modeling of protein sequence and biophysical properties (such as structural, functional, and spatial information, amino acid conservation, physicochemical variation, residue mobility, and thermodynamic stability) performed at Invitae indicates that this missense variant is not expected to disrupt CPT2 protein function. In summary, the available evidence is currently insufficient to determine the role of this variant in disease. Therefore, it has been classified as a Variant of Uncertain Significance.